The following is an entry in ClinVar:

NM_001256447.2(BCAP31):c.-44-322C>T

Gene: BCAP31 (B cell receptor associated protein 31; minus strand). Cytogenetic location: Xq28.
Variant type: single nucleotide variant.
Coding change: c.-44-322C>T on transcript NM_001256447.2 (MANE Select); 322 bases into the intron before 44 bases upstream of the start codon, C replaced by T.
Molecular consequence: intron variant. On other transcripts: missense variant (1).
Genome position (GRCh38, 1-based): chrX:153,723,610, G>A on the plus strand (C>T on the coding strand, the complement: BCAP31 is on the minus strand). VCF-style: chrX-153723610-G-A. GRCh37 (hg19) VCF-style: chrX-152989065-G-A.
Other names: c.55C>T, p.Arg19Cys (NM_001139457.2); c.-44-322C>T (NM_005745.8, NM_001139441.1); c.55C>T (NM_001139457.1); short protein forms R19C.
Identifiers: ClinVar variation 3030873 (VCV003030873.3), dbSNP rs782794716, ClinGen allele CA10549877.

ClinVar aggregate classification (germline): Likely benign. Review status: criteria provided, single submitter (1 of 4 stars). 2 submissions from 2 submitters: Likely benign (1). 1 of the submissions does not count toward it. Last evaluated 2024-12-07.

Conditions:
Inborn genetic diseases. Identifiers: MedGen C0950123, MeSH D030342.
BCAP31-related disorder. Also called: BCAP31-related condition.

Allele frequency attached by ClinVar (database versions not stated): gnomAD exomes 0.00002; TOPMed 0.00017; gnomAD 0.00019; ExAC 0.00036.
gnomAD v4.1: 45 of 1,167,032 alleles (0.0039%); highest among the groups gnomAD compares: African/African-American, 0.053%; no homozygotes.

Submissions (2):

Ambry Genetics
Classification: Likely benign for Inborn genetic diseases. Last evaluated: 2024-12-07. Review status: criteria provided, single submitter. Criteria: Ambry Variant Classification Scheme 2023. Collection method: clinical testing. Allele origin: germline.

PreventionGenetics, part of Exact Sciences
Classification: Likely benign for BCAP31-related condition. Last evaluated: 2022-12-05. Review status: no assertion criteria provided. Collection method: clinical testing. Allele origin: germline. Not counted in ClinVar's aggregate classification.
Comment: This variant is classified as likely benign based on ACMG/AMP sequence variant interpretation guidelines (Richards et al. 2015 PMID: 25741868, with internal and published modifications).